The following is an entry in ClinVar:

ClinVar aggregate classification (germline): Uncertain significance. Review status: criteria provided, single submitter (1 of 4 stars). 2 submissions from 2 submitters: Uncertain significance (1). 1 of the submissions does not count toward it. Last evaluated 2025-01-09.

Conditions:
DISC1-related disorder. Also called: DISC1-related condition.

Allele frequency attached by ClinVar (database versions not stated): ExAC 0.00008; ESP Exome Variant Server 0.00008; TOPMed 0.00011; gnomAD 0.00012; gnomAD exomes 0.00035.

Submissions (2):

Ambry Genetics
Classification: Uncertain significance. Last evaluated: 2025-01-09. Review status: criteria provided, single submitter. Criteria: Ambry Variant Classification Scheme 2023. Collection method: clinical testing. Allele origin: germline.

PreventionGenetics, part of Exact Sciences
Classification: Uncertain significance for DISC1-related condition. Last evaluated: 2023-12-20. Review status: no assertion criteria provided. Collection method: clinical testing. Allele origin: germline. Not counted in ClinVar's aggregate classification.
Comment: The DISC1 c.1219C>T variant is predicted to result in the amino acid substitution p.His407Tyr. To our knowledge, this variant has not been reported in the literature. This variant is reported in 0.022% of alleles in individuals of European (Non-Finnish) descent in gnomAD. At this time, the clinical significance of this variant is uncertain due to the absence of conclusive functional and genetic evidence.

NM_018662.3(DISC1):c.1219C>T (p.His407Tyr)

Genes: DISC1 (DISC1 scaffold protein; plus strand), TSNAX-DISC1 (TSNAX-DISC1 readthrough (NMD candidate); plus strand). Cytogenetic location: 1q42.2.
Variant type: single nucleotide variant.
Coding change: c.1219C>T on transcript NM_018662.3 (MANE Select); coding-DNA position 1219, C replaced by T.
Protein change: p.His407Tyr; replaces histidine 407 with tyrosine.
Molecular consequence: missense variant. On other transcripts: non-coding transcript variant (7), 3 prime UTR variant (1).
Genome position (GRCh38, 1-based): chr1:231,750,027, C>T. VCF-style: chr1-231750027-C-T. GRCh37 (hg19) VCF-style: chr1-231885773-C-T.
Other names: c.1219C>T, p.His407Tyr (NM_001012957.2, NM_001012959.2, NM_001164538.2 and 11 more transcripts); c.1315C>T, p.His439Tyr (NM_001164537.2); c.*78C>T (NM_001164555.2); c.169C>T, p.His57Tyr (NM_001164556.2); short protein forms H407Y, H439Y, H57Y.
Identifiers: ClinVar variation 3036904 (VCV003036904.3), dbSNP rs372352273, ClinGen allele CA1453842.